The following is an entry in ClinVar:

ClinVar aggregate classification (germline): Conflicting classifications of pathogenicity. Review status: criteria provided, conflicting classifications (1 of 4 stars). 4 submissions from 4 submitters: Uncertain significance (1); Likely benign (2). 1 of the submissions does not count toward it. Last evaluated 2025-09-21.

Conditions:
ARFGEF2-related disorder. Also called: ARFGEF2-related condition.
Periventricular heterotopia with microcephaly, autosomal recessive (ARPHM). Also called: PERIVENTRICULAR NODULAR HETEROTOPIA 2; Periventricular heterotopia with microcephaly. Identifiers: Orphanet 2149, MedGen C1842563, MONDO:0011966, OMIM 608097.

Allele frequency attached by ClinVar (database versions not stated): ExAC 0.00003; gnomAD exomes 0.00004; TOPMed 0.00006; gnomAD 0.00007; ESP Exome Variant Server 0.00008; 1000 Genomes Project 30x 0.00016; 1000 Genomes Project 0.00020.
gnomAD v4.1: 69 of 1,613,634 alleles (0.0043%); highest among the groups gnomAD compares: African/African-American, 0.016%; no homozygotes.

Submissions (4):

Labcorp Genetics (formerly Invitae), Labcorp
Classification: Likely benign. Last evaluated: 2025-09-21. Review status: criteria provided, single submitter. Criteria: Invitae Variant Classification Sherloc (09022015). Collection method: clinical testing. Allele origin: germline.

Mayo Clinic Laboratories, Mayo Clinic
Classification: Likely benign. Last evaluated: 2025-03-17. Review status: criteria provided, single submitter. Criteria: ACMG Guidelines, 2015. Collection method: clinical testing. Allele origin: germline. Observed: 1 variant allele.
Comment: BP4, BP7

Illumina Laboratory Services, Illumina
Classification: Uncertain significance for Periventricular heterotopia with microcephaly, autosomal recessive. Last evaluated: 2018-01-13. Review status: criteria provided, single submitter. Criteria: ICSL Variant Classification Criteria 13 December 2019. Collection method: clinical testing. Allele origin: germline.

PreventionGenetics, part of Exact Sciences
Classification: Likely benign for ARFGEF2-related condition. Last evaluated: 2023-10-25. Review status: no assertion criteria provided. Collection method: clinical testing. Allele origin: germline. Not counted in ClinVar's aggregate classification.
Comment: This variant is classified as likely benign based on ACMG/AMP sequence variant interpretation guidelines (Richards et al. 2015 PMID: 25741868, with internal and published modifications).

NM_006420.3(ARFGEF2):c.2276+10G>A

Gene: ARFGEF2 (ARF guanine nucleotide exchange factor 2; plus strand). Cytogenetic location: 20q13.13.
Variant type: single nucleotide variant.
Coding change: c.2276+10G>A on transcript NM_006420.3 (MANE Select); 10 bases into the intron after coding-DNA position 2276, G replaced by A.
Molecular consequence: intron variant.
Genome position (GRCh38, 1-based): chr20:48,985,623, G>A. VCF-style: chr20-48985623-G-A. GRCh37 (hg19) VCF-style: chr20-47602160-G-A.
Other names: p.?.
Identifiers: ClinVar variation 898242 (VCV000898242.11), dbSNP rs376568632, ClinGen allele CA9898583.